The following is an entry in ClinVar:

NM_002427.4(MMP13):c.511+23C>G

Gene: MMP13 (matrix metallopeptidase 13; minus strand). Cytogenetic location: 11q22.2.
Variant type: single nucleotide variant.
Coding change: c.511+23C>G on transcript NM_002427.4 (MANE Select); 23 bases into the intron after coding-DNA position 511, C replaced by G.
Molecular consequence: intron variant.
Genome position (GRCh38, 1-based): chr11:102,954,435, G>C on the plus strand (C>G on the coding strand, the complement: MMP13 is on the minus strand). VCF-style: chr11-102954435-G-C. GRCh37 (hg19) VCF-style: chr11-102825164-G-C.
Identifiers: ClinVar variation 2501578 (VCV002501578.1), dbSNP rs72987509, ClinGen allele CA6251969.

ClinVar aggregate classification (germline): Likely benign (1 of 4 stars; one submission).

Allele frequency attached by ClinVar (database versions not stated): gnomAD exomes 0.00031; ExAC 0.00111; gnomAD 0.00311; ESP Exome Variant Server 0.00369; 1000 Genomes Project 30x 0.00390; TOPMed 0.00394; 1000 Genomes Project 0.00399.

Submission:

GeneDx
Classification: Likely benign. Last evaluated: 2020-06-23. Review status: criteria provided, single submitter. Criteria: GeneDx Variant Classification Process June 2021. Collection method: clinical testing. Allele origin: germline. Affected: yes.
Comment: See Variant Classification Assertion Criteria.